The following is an entry in ClinVar:

NM_207346.3(TSEN54):c.370-19C>A

Gene: TSEN54 (tRNA splicing endonuclease subunit 54; plus strand). Cytogenetic location: 17q25.1.
Variant type: single nucleotide variant.
Coding change: c.370-19C>A on transcript NM_207346.3 (MANE Select); 19 bases into the intron before coding-DNA position 370, C replaced by A.
Molecular consequence: intron variant.
Genome position (GRCh38, 1-based): chr17:75,517,538, C>A. VCF-style: chr17-75517538-C-A. GRCh37 (hg19) VCF-style: chr17-73513619-C-A.
Identifiers: ClinVar variation 137757 (VCV000137757.22), dbSNP rs56895494, ClinGen allele CA173731.

ClinVar aggregate classification (germline): Benign. Review status: criteria provided, multiple submitters, no conflicts (2 of 4 stars). 8 submissions from 8 submitters: Benign (4). 4 of the submissions do not count toward it. Last evaluated 2026-02-04.

Allele frequency attached by ClinVar (database versions not stated): 1000 Genomes Project 0.09385; 1000 Genomes Project 30x 0.09541; gnomAD exomes 0.11522 and 0.12770; TOPMed 0.11714; ExAC 0.11936; gnomAD 0.12024 and 0.12137; ESP Exome Variant Server 0.13217.

Submissions (8):

Labcorp Genetics (formerly Invitae), Labcorp
Classification: Benign. Last evaluated: 2026-02-04. Review status: criteria provided, single submitter. Criteria: Invitae Variant Classification Sherloc (09022015). Collection method: clinical testing. Allele origin: germline.

GeneDx
Classification: Benign. Last evaluated: 2013-10-31. Review status: criteria provided, single submitter. Criteria: GeneDx Variant Classification (06012015). Collection method: clinical testing. Allele origin: germline. Affected: yes.
Comment: This variant is considered likely benign or benign based on one or more of the following criteria: it is a conservative change, it occurs at a poorly conserved position in the protein, it is predicted to be benign by multiple in silico algorithms, and/or has population frequency not consistent with disease.

Breakthrough Genomics
Classification: Benign. Review status: criteria provided, single submitter. Criteria: ACMG Guidelines, 2015. Collection method: not provided. Allele origin: germline. Inheritance: Autosomal recessive inheritance. Affected: yes.

PreventionGenetics, part of Exact Sciences
Classification: Benign. Review status: criteria provided, single submitter. Criteria: ACMG Guidelines, 2015. Collection method: clinical testing. Allele origin: germline.

Clinical Genetics DNA and cytogenetics Diagnostics Lab, Erasmus MC, Erasmus Medical Center
Classification: Benign. Review status: no assertion criteria provided. Collection method: clinical testing. Allele origin: germline. Affected: yes. Study: VKGL Data-share Consensus. Not counted in ClinVar's aggregate classification.

Clinical Genetics, Academic Medical Center
Classification: Benign. Review status: no assertion criteria provided. Collection method: clinical testing. Allele origin: germline. Affected: yes. Study: VKGL Data-share Consensus. Not counted in ClinVar's aggregate classification.

Diagnostic Laboratory, Department of Genetics, University Medical Center Groningen
Classification: Benign. Review status: no assertion criteria provided. Collection method: clinical testing. Allele origin: germline. Affected: yes. Study: VKGL Data-share Consensus. Not counted in ClinVar's aggregate classification.

Genetic Services Laboratory, University of Chicago
Classification: Likely benign. Review status: no assertion criteria provided. Collection method: clinical testing. Allele origin: germline. Inheritance: Autosomal recessive inheritance. Not counted in ClinVar's aggregate classification.
Comment: Likely benign based on allele frequency in 1000 Genomes Project or ESP global frequency and its presence in a patient with a rare or unrelated disease phenotype. NOT Sanger confirmed